The following is an entry in ClinVar:

ClinVar aggregate classification (germline): Pathogenic/Likely pathogenic. Review status: criteria provided, multiple submitters, no conflicts (2 of 4 stars). 3 submissions from 3 submitters: Pathogenic (2); Likely pathogenic (1). Last evaluated 2025-04-24.

Conditions:
Osteogenesis imperfecta type 8 (OI8). Identifiers: MedGen C1970458, MONDO:0012581, OMIM 610915.

Submissions (3):

Labcorp Genetics (formerly Invitae), Labcorp
Classification: Pathogenic for Osteogenesis imperfecta type 8. Last evaluated: 2025-04-24. Review status: criteria provided, single submitter. Criteria: Invitae Variant Classification Sherloc (09022015). Collection method: clinical testing. Allele origin: germline.
Comment: This sequence change is expected to alter the c-terminus of the P3H1 protein (p.Glu719Asnfs*29). While this is not anticipated to result in nonsense mediated decay, it is expected to disrupt the last 18 amino acid(s) of the P3H1 protein and extend the protein by 10 additional amino acid residues. This variant is not present in population databases (gnomAD no frequency). This frameshift has been observed in individual(s) with osteogenesis imperfecta (PMID: 24498616). This variant disrupts the KDEL domain (p.Lys733-p.Leu736) of the P3H1 protein that is required for the cellular retention and activity of certain types of proteins (PMID: 3545499). For these reasons, this variant has been classified as Pathogenic.

Revvity Omics, Revvity
Classification: Likely pathogenic for Osteogenesis imperfecta type 8. Last evaluated: 2025-03-12. Review status: criteria provided, single submitter. Criteria: ACMG Guidelines, 2015. Collection method: clinical testing. Allele origin: germline.

Fulgent Genetics
Classification: Pathogenic for Osteogenesis imperfecta type 8. Last evaluated: 2024-01-25. Review status: criteria provided, single submitter. Criteria: ACMG Guidelines, 2015. Collection method: clinical testing. Allele origin: germline.

Literature cited by the submitters: PubMed 24498616 (cited by Labcorp Genetics (formerly Invitae), Labcorp); PubMed 3545499 (cited by Labcorp Genetics (formerly Invitae), Labcorp).

NM_022356.4(P3H1):c.2154del (p.Glu719fs)

Gene: P3H1 (prolyl 3-hydroxylase 1; minus strand). Cytogenetic location: 1p34.2.
Variant type: Deletion.
Coding change: c.2154del on transcript NM_022356.4 (MANE Select); coding-DNA position 2154, one base deleted (C; older notation c.2154delC).
Protein change: p.Glu719fs; shifts the reading frame from glutamic acid 719.
Molecular consequence: frameshift variant. On other transcripts: 3 prime UTR variant (2).
Genome position (GRCh38, 1-based): chr1:42,746,754, G deleted on the plus strand (C on the coding strand, the reverse complement: P3H1 is on the minus strand); the first of 7 consecutive G bases (chr1:42,746,754-42,746,760); deleting any one gives the same sequence. VCF-style (leftmost placement, unchanged base first): chr1-42746753-CG-C. GRCh37 (hg19) VCF-style: chr1-43212430-GA-G.
Other names: c.*79del (NM_001146289.2); c.*158del (NM_001243246.2); c.2148del (NM_022356.4); short protein forms E719fs.
Identifiers: ClinVar variation 2715030 (VCV002715030.5), dbSNP rs752671524, ClinGen allele CA21241108.